The following is an entry in ClinVar:

NM_001330260.2(SCN8A):c.3917C>G (p.Ala1306Gly)

Gene: SCN8A (sodium voltage-gated channel alpha subunit 8; plus strand). Cytogenetic location: 12q13.13.
Variant type: single nucleotide variant.
Coding change: c.3917C>G on transcript NM_001330260.2 (MANE Select); coding-DNA position 3917, C replaced by G.
Protein change: p.Ala1306Gly; replaces alanine 1306 with glycine.
Molecular consequence: missense variant. On other transcripts: intron variant (2).
Genome position (GRCh38, 1-based): chr12:51,780,746, C>G. VCF-style: chr12-51780746-C-G. GRCh37 (hg19) VCF-style: chr12-52174530-C-G.
Other names: c.3917C>G, p.Ala1306Gly (NM_014191.4); c.3820-5796C>G (NM_001177984.3, NM_001369788.1); short protein forms A1306G.
Identifiers: ClinVar variation 2858866 (VCV002858866.3), dbSNP rs2540292571, ClinGen allele CA384901519.

ClinVar aggregate classification (germline): Uncertain significance (1 of 4 stars; one submission).

Conditions:
Early-infantile DEE. Also called: Ohtahara syndrome; Early infantile epileptic encephalopathy with suppression bursts; Early infantile epileptic encephalopathy. Identifiers: Orphanet 1934, MedGen C0393706, MONDO:0800491.

Submission:

Labcorp Genetics (formerly Invitae), Labcorp
Classification: Uncertain significance for Early-infantile DEE. Last evaluated: 2024-10-23. Review status: criteria provided, single submitter. Criteria: Invitae Variant Classification Sherloc (09022015). Collection method: clinical testing. Allele origin: germline.
Comment: This sequence change replaces alanine, which is neutral and non-polar, with glycine, which is neutral and non-polar, at codon 1306 of the SCN8A protein (p.Ala1306Gly). This variant is not present in population databases (gnomAD no frequency). This variant has not been reported in the literature in individuals affected with SCN8A-related conditions. Invitae Evidence Modeling of protein sequence and biophysical properties (such as structural, functional, and spatial information, amino acid conservation, physicochemical variation, residue mobility, and thermodynamic stability) indicates that this missense variant is expected to disrupt SCN8A protein function with a positive predictive value of 95%. In summary, the available evidence is currently insufficient to determine the role of this variant in disease. Therefore, it has been classified as a Variant of Uncertain Significance.